The following is an entry in ClinVar:

ClinVar aggregate classification (germline): Likely benign (0 of 4 stars; one submission).

Conditions:
TNK2-related disorder. Also called: TNK2-related condition.

Allele frequency attached by ClinVar (database versions not stated): TOPMed 0.00003; gnomAD exomes 0.00004; gnomAD 0.00007; ESP Exome Variant Server 0.00008; ExAC 0.00021.
gnomAD v4.1: 64 of 1,458,400 alleles (0.0044%); highest among the groups gnomAD compares: South Asian, 0.027%; no homozygotes.

Submission:

PreventionGenetics, part of Exact Sciences
Classification: Likely benign for TNK2-related condition. Last evaluated: 2019-06-26. Review status: no assertion criteria provided. Collection method: clinical testing. Allele origin: germline.
Comment: This variant is classified as likely benign based on ACMG/AMP sequence variant interpretation guidelines (Richards et al. 2015 PMID: 25741868, with internal and published modifications).

NM_001382273.1(TNK2):c.1536G>A (p.Gly512=)

Gene: TNK2 (tyrosine kinase non receptor 2; minus strand). Cytogenetic location: 3q29.
Variant type: single nucleotide variant.
Coding change: c.1536G>A on transcript NM_001382273.1 (MANE Select); coding-DNA position 1536, G replaced by A.
Protein change: p.Gly512=; no amino-acid change (glycine 512 retained).
Molecular consequence: synonymous variant. On other transcripts: non-coding transcript variant (15).
Genome position (GRCh38, 1-based): chr3:195,870,121, C>T on the plus strand (G>A on the coding strand, the complement: TNK2 is on the minus strand). VCF-style: chr3-195870121-C-T. GRCh37 (hg19) VCF-style: chr3-195596992-C-T.
Other names: c.1608G>A, p.Gly536= (NM_001010938.2, NM_001382272.1, NM_001387708.1 and 1 more transcripts); c.1632G>A, p.Gly544= (NM_001308046.2, NM_001382271.1, NM_001382275.1 and 1 more transcripts); c.1536G>A, p.Gly512= (NM_001382274.1, NM_001386164.1, NM_001387709.1 and 12 more transcripts).
Identifiers: ClinVar variation 3042447 (VCV003042447.2), dbSNP rs372040065, ClinGen allele CA2776311.